The following is an entry in ClinVar:

NM_031885.5(BBS2):c.1380C>T (p.Phe460=)

Gene: BBS2 (Bardet-Biedl syndrome 2; minus strand). Cytogenetic location: 16q13.
Variant type: single nucleotide variant.
Coding change: c.1380C>T on transcript NM_031885.5 (MANE Select); coding-DNA position 1380, C replaced by T.
Protein change: p.Phe460=; no amino-acid change (phenylalanine 460 retained).
Molecular consequence: synonymous variant. On other transcripts: non-coding transcript variant (2).
Genome position (GRCh38, 1-based): chr16:56,500,871, G>A on the plus strand (C>T on the coding strand, the complement: BBS2 is on the minus strand). VCF-style: chr16-56500871-G-A. GRCh37 (hg19) VCF-style: chr16-56534783-G-A.
Other names: c.1380C>T, p.Phe460= (NM_001377456.1).
Identifiers: ClinVar variation 283882 (VCV000283882.31), dbSNP rs141046144, ClinGen allele CA8065757.
Genomic context (GRCh38, chr16:56,500,871, plus strand): 5'-CTAAGTGCTGTCCTGAAATGAACTGTGACTTGCAAAGGGTCACCTGCTTCTGTAACCCAC[G>A]AATGCCTTCAAGTGCAGATCCACAGGGACATCTTTGGGAGGCACAATAGGGATGCAGATG-3'
Protein context (NP_114091.4, residues 450-470): DVPVDLHLKA[Phe460=]VGYRSSTQFH

ClinVar aggregate classification (germline): Conflicting classifications of pathogenicity. Review status: criteria provided, conflicting classifications (1 of 4 stars). 6 submissions from 6 submitters: Uncertain significance (2); Likely benign (3). 1 of the submissions does not count toward it. Last evaluated 2026-03-01.

Conditions:
Bardet-Biedl syndrome (BBS). Identifiers: Orphanet 110, MedGen C0752166, MONDO:0015229.
Bardet-Biedl syndrome 2 (BBS2). Identifiers: Orphanet 110, MedGen C2936863, MONDO:0014432, OMIM 615981.

Allele frequency attached by ClinVar (database versions not stated): 1000 Genomes Project 0.00040; 1000 Genomes Project 30x 0.00047; TOPMed 0.00065; gnomAD 0.00082 and 0.00086; ESP Exome Variant Server 0.00085; gnomAD exomes 0.00087 and 0.00092; ExAC 0.00105.
gnomAD v4.1: 1,463 of 1,614,056 alleles (0.091%); highest among the groups gnomAD compares: Non-Finnish European, 0.11%; no homozygotes.

Submissions (6):

CeGaT Center for Human Genetics Tuebingen
Classification: Likely benign. Last evaluated: 2026-03-01. Review status: criteria provided, single submitter. Criteria: CeGaT Center For Human Genetics Tuebingen Variant Classification Criteria Version 2. Collection method: clinical testing. Allele origin: germline. Affected: yes. Observed: 2 variant alleles.
Comment: BBS2: BP4, BP7

Labcorp Genetics (formerly Invitae), Labcorp
Classification: Likely benign for Bardet-Biedl syndrome. Last evaluated: 2026-01-31. Review status: criteria provided, single submitter. Criteria: Invitae Variant Classification Sherloc (09022015). Collection method: clinical testing. Allele origin: germline.

Blueprint Genetics
Classification: Likely benign. Last evaluated: 2024-11-12. Review status: criteria provided, single submitter. Criteria: ACMG Guidelines, 2015. Collection method: clinical testing. Allele origin: germline.

Illumina Laboratory Services, Illumina
Classification: Uncertain significance for Bardet-Biedl syndrome 2. Last evaluated: 2018-01-13. Review status: criteria provided, single submitter. Criteria: ICSL Variant Classification Criteria 13 December 2019. Collection method: clinical testing. Allele origin: germline.

Eurofins Ntd Llc (ga)
Classification: Uncertain significance. Last evaluated: 2015-10-14. Review status: criteria provided, single submitter. Criteria: EGL Classification Definitions 2015. Collection method: clinical testing. Allele origin: germline. Observed: 2 variant alleles, 2 heterozygotes.

Natera, Inc.
Classification: Likely benign for Bardet-Biedl syndrome type 2. Last evaluated: 2020-09-16. Review status: no assertion criteria provided. Collection method: clinical testing. Allele origin: germline. Not counted in ClinVar's aggregate classification.